The following is an entry in ClinVar:

NM_003072.5(SMARCA4):c.705_707dup (p.Pro236dup)

Gene: SMARCA4 (SWI/SNF related BAF chromatin remodeling complex subunit ATPase 4; plus strand). Cytogenetic location: 19p13.2.
Variant type: Duplication.
Coding change: c.705_707dup on transcript NM_003072.5 (MANE Select); coding-DNA positions 705 to 707, 3 bases duplicated (CCC; older notation c.705_707dupCCC).
Protein change: p.Pro236dup; duplicates proline 236.
Molecular consequence: inframe insertion. On other transcripts: non-coding transcript variant (1).
Genome position (GRCh38, 1-based): chr19:10,986,538-10,986,540, CCC duplicated. VCF-style (leftmost placement, unchanged base first): chr19-10986537-G-GCCC. GRCh37 (hg19) VCF-style: chr19-11097213-G-GCCC.
Other names: c.705_707dup, p.Pro236dup (NM_001128844.3, NM_001128845.2, NM_001128846.2 and 4 more transcripts).
Identifiers: ClinVar variation 862702 (VCV000862702.9), dbSNP rs2086054549, ClinGen allele CA916083658.

ClinVar aggregate classification (germline): Uncertain significance (1 of 4 stars; one submission).

Conditions:
Rhabdoid tumor predisposition syndrome 2 (RTPS2). Identifiers: Orphanet 231108, Orphanet 69077, MedGen C2750074, MONDO:0013224, OMIM 613325.

Submission:

Labcorp Genetics (formerly Invitae), Labcorp
Classification: Uncertain significance for Rhabdoid tumor predisposition syndrome 2. Last evaluated: 2019-12-01. Review status: criteria provided, single submitter. Criteria: Invitae Variant Classification Sherloc (09022015). Collection method: clinical testing. Allele origin: germline.
Comment: In summary, the available evidence is currently insufficient to determine the role of this variant in disease. Therefore, it has been classified as a Variant of Uncertain Significance. Experimental studies and prediction algorithms are not available or were not evaluated, and the functional significance of this variant is currently unknown. This variant has not been reported in the literature in individuals with SMARCA4-related conditions. The frequency data for this variant in the population databases is considered unreliable, as metrics indicate insufficient coverage at this position in the ExAC database. This variant, c.705_707dup, results in the insertion of 1 amino acid(s) to the SMARCA4 protein (p.Pro236dup), but otherwise preserves the integrity of the reading frame.